The following is an entry in ClinVar:

NM_145117.5(NAV2):c.396G>T (p.Lys132Asn)

Gene: NAV2 (neuron navigator 2; plus strand). Cytogenetic location: 11p15.1.
Variant type: single nucleotide variant.
Coding change: c.396G>T on transcript NM_145117.5 (MANE Select); coding-DNA position 396, G replaced by T.
Protein change: p.Lys132Asn; replaces lysine 132 with asparagine.
Molecular consequence: missense variant.
Genome position (GRCh38, 1-based): chr11:19,842,881, G>T. VCF-style: chr11-19842881-G-T. GRCh37 (hg19) VCF-style: chr11-19864427-G-T.
Other names: c.204G>T, p.Lys68Asn (NM_001111018.2); c.396G>T, p.Lys132Asn (NM_001244963.2, NM_182964.6); short protein forms K132N, K68N.
Identifiers: ClinVar variation 2635272 (VCV002635272.1), dbSNP rs2060584824, ClinGen allele CA380051678.

ClinVar aggregate classification (germline): Uncertain significance (1 of 4 stars; one submission).

Conditions:
NAV2-related disorder. Also called: NAV2-related condition.

Allele frequency attached by ClinVar (database versions not stated): TOPMed below 0.00001; gnomAD 0.00001.
gnomAD v4.1: 2 of 1,613,856 alleles (0.00012%); highest among the groups gnomAD compares: Non-Finnish European, 0.000085%; no homozygotes.

Submission:

PreventionGenetics, part of Exact Sciences
Classification: Uncertain significance for NAV2-related condition. Last evaluated: 2022-10-24. Review status: criteria provided, single submitter. Criteria: ACMG Guidelines, 2015. Collection method: clinical testing. Allele origin: germline.
Comment: The NAV2 c.396G>T variant is predicted to result in the amino acid substitution p.Lys132Asn. To our knowledge, this variant has not been reported in the literature or in a large population database, indicating this variant is rare. At this time, the clinical significance of this variant is uncertain due to the absence of conclusive functional and genetic evidence.